The following is an entry in ClinVar:

NM_016953.4(PDE11A):c.497C>T (p.Pro166Leu)

Gene: PDE11A (phosphodiesterase 11A; minus strand). Cytogenetic location: 2q31.2.
Variant type: single nucleotide variant.
Coding change: c.497C>T on transcript NM_016953.4 (MANE Select); coding-DNA position 497, C replaced by T.
Protein change: p.Pro166Leu; replaces proline 166 with leucine.
Molecular consequence: missense variant. On other transcripts: intron variant (1).
Genome position (GRCh38, 1-based): chr2:178,071,941, G>A on the plus strand (C>T on the coding strand, the complement: PDE11A is on the minus strand). VCF-style: chr2-178071941-G-A. GRCh37 (hg19) VCF-style: chr2-178936668-G-A.
Other names: c.162+32361C>T (NM_001077197.2); short protein forms P166L.
Identifiers: ClinVar variation 373166 (VCV000373166.1), dbSNP rs757470455, ClinGen allele CA1982251.

ClinVar aggregate classification (germline): Uncertain significance (1 of 4 stars; one submission).

Allele frequency attached by ClinVar (database versions not stated): ExAC 0.00001; gnomAD 0.00003; TOPMed 0.00001.
gnomAD v4.1: 26 of 1,614,066 alleles (0.0016%); highest among the groups gnomAD compares: Non-Finnish European, 0.002%; no homozygotes.

Submission:

GeneDx
Classification: Uncertain significance. Last evaluated: 2016-11-23. Review status: criteria provided, single submitter. Criteria: GeneDx Variant Classification (06012015). Collection method: clinical testing. Allele origin: germline. Affected: yes.
Comment: The P166L variant in the PDE11A gene has not been reported previously as a pathogenic variant, nor as a benignvariant, to our knowledge. The P166L variant was not observed in approximately 6500 individuals of European andAfrican American ancestry in the NHLBI Exome Sequencing Project, indicating it is not a common benign variant inthese populations. The P166L variant is a semi-conservative amino acid substitution, which may impact secondaryprotein structure as these residues differ in some properties. This substitution occurs at a position that is conservedacross species and in silico analysis predicts this variant is probably damaging to the protein structure/function. Weinterpret P166L as a variant of uncertain significance.